The following is an entry in ClinVar:

ClinVar aggregate classification (germline): Uncertain significance (1 of 4 stars; one submission).

Conditions:
Hyperphosphatasia with impaired intellectual development syndrome 2. Also called: Hyperphosphatasia with intellectual disability syndrome 2; GLYCOSYLPHOSPHATIDYLINOSITOL BIOSYNTHESIS DEFECT 6. Identifiers: Orphanet 247262, MedGen C3553637, MONDO:0013882, OMIM 614749.

Submission:

Labcorp Genetics (formerly Invitae), Labcorp
Classification: Uncertain significance for Hyperphosphatasia with impaired intellectual development syndrome 2. Last evaluated: 2021-12-30. Review status: criteria provided, single submitter. Criteria: Invitae Variant Classification Sherloc (09022015). Collection method: clinical testing. Allele origin: germline.
Comment: In summary, the available evidence is currently insufficient to determine the role of this variant in disease. Therefore, it has been classified as a Variant of Uncertain Significance. Algorithms developed to predict the effect of missense changes on protein structure and function are either unavailable or do not agree on the potential impact of this missense change (SIFT: "Tolerated"; PolyPhen-2: "Probably Damaging"; Align-GVGD: "Class C0"). This variant has not been reported in the literature in individuals affected with PIGO-related conditions. This variant is not present in population databases (gnomAD no frequency). This sequence change replaces proline, which is neutral and non-polar, with leucine, which is neutral and non-polar, at codon 782 of the PIGO protein (p.Pro782Leu).

NM_032634.4(PIGO):c.2345C>T (p.Pro782Leu)

Gene: PIGO (phosphatidylinositol glycan anchor biosynthesis class O; minus strand). Cytogenetic location: 9p13.3.
Variant type: single nucleotide variant.
Coding change: c.2345C>T on transcript NM_032634.4 (MANE Select); coding-DNA position 2345, C replaced by T.
Protein change: p.Pro782Leu; replaces proline 782 with leucine.
Molecular consequence: missense variant. On other transcripts: intron variant (2).
Genome position (GRCh38, 1-based): chr9:35,091,542, G>A on the plus strand (C>T on the coding strand, the complement: PIGO is on the minus strand). VCF-style: chr9-35091542-G-A. GRCh37 (hg19) VCF-style: chr9-35091539-G-A.
Other names: c.1345-251C>T (NM_152850.4, NM_001201484.2); short protein forms P782L.
Identifiers: ClinVar variation 2066305 (VCV002066305.4), dbSNP rs2490446606, ClinGen allele CA373320143.
Genomic context (GRCh38, chr9:35,091,542, plus strand): 5'-CGGTAGATTTGAGGGACCACATAATCCAAGTCAGCTTGAGAAGTGGGGGGGCCTGAGAAG[G>A]GAGTGAGGACAGTCCTGGTCCTTGGAGCGCCTGCCCCAGCCTTCACCAGCACTGTCACAG-3'
Protein context (NP_116023.2, residues 772-792): GAPRTRTVLT[Pro782Leu]FSGPPTSQAD